The following is an entry in ClinVar:

ClinVar aggregate classification (germline): Uncertain significance. Review status: criteria provided, multiple submitters, no conflicts (2 of 4 stars). 5 submissions from 5 submitters: Uncertain significance (5). Last evaluated 2024-02-23.

Conditions:
Hereditary cancer-predisposing syndrome. Also called: Hereditary Cancer Syndrome; Neoplastic Syndromes, Hereditary; Tumor predisposition; Hereditary neoplastic syndrome. Identifiers: Orphanet 140162, MedGen C0027672, MeSH D009386, MONDO:0015356.
Aplastic anemia. Identifiers: Orphanet 182040, Orphanet 88, MedGen C0002874, MONDO:0015909, OMIM 609135, HP:0001915.
Microcephaly, normal intelligence and immunodeficiency (NBS). Also called: BERLIN BREAKAGE SYNDROME; Ataxia telangiectasia variant V1; IMMUNODEFICIENCY, MICROCEPHALY, AND CHROMOSOMAL INSTABILITY; SEEMANOVA SYNDROME II; Nijmegen breakage syndrome; Microcephaly with normal intelligence immunodeficiency and lymphoreticular malignancies. Identifiers: Orphanet 647, MedGen C0398791, MONDO:0009623, OMIM 251260.

gnomAD v4.1: 3 of 1,591,830 alleles (0.00019%); highest among the groups gnomAD compares: Non-Finnish European, 0.00026%; no homozygotes.

Submissions (5):

Baylor Genetics
Classification: Uncertain significance for Aplastic anemia. Last evaluated: 2024-02-23. Review status: criteria provided, single submitter. Criteria: ACMG Guidelines, 2015. Collection method: clinical testing. Allele origin: unknown.

Labcorp Genetics (formerly Invitae), Labcorp
Classification: Uncertain significance for Microcephaly, normal intelligence and immunodeficiency. Last evaluated: 2023-10-23. Review status: criteria provided, single submitter. Criteria: Invitae Variant Classification Sherloc (09022015). Collection method: clinical testing. Allele origin: germline.
Comment: This sequence change replaces arginine, which is basic and polar, with lysine, which is basic and polar, at codon 660 of the NBN protein (p.Arg660Lys). This variant is not present in population databases (gnomAD no frequency). This variant has not been reported in the literature in individuals affected with NBN-related conditions. ClinVar contains an entry for this variant (Variation ID: 231001). Algorithms developed to predict the effect of missense changes on protein structure and function output the following: SIFT: "Not Available"; PolyPhen-2: "Benign"; Align-GVGD: "Not Available". The lysine amino acid residue is found in multiple mammalian species, which suggests that this missense change does not adversely affect protein function. In summary, the available evidence is currently insufficient to determine the role of this variant in disease. Therefore, it has been classified as a Variant of Uncertain Significance.

Ambry Genetics
Classification: Uncertain significance for Hereditary cancer-predisposing syndrome. Last evaluated: 2023-01-05. Review status: criteria provided, single submitter. Criteria: Ambry Variant Classification Scheme 2023. Collection method: clinical testing. Allele origin: germline.
Comment: The p.R660K variant (also known as c.1979G>A), located in coding exon 13 of the NBN gene, results from a G to A substitution at nucleotide position 1979. The arginine at codon 660 is replaced by lysine, an amino acid with highly similar properties. This variant was identified in a cohort of 3,579 African males diagnosed with prostate cancer who underwent multi-gene panel testing of 19 DNA repair and cancer predisposition genes (Matejcic M et al. JCO Precis Oncol, 2020 Jan;4:32-43) identified as germline in a cohort of cancer patients in the MSK-IMPACT study (Belhadj S et al. Clin Cancer Res, 2022 Nov). This amino acid position is highly conserved in available vertebrate species. In addition, this alteration is predicted to be tolerated by in silico analysis. Since supporting evidence is limited at this time, the clinical significance of this alteration remains unclear.

Genome-Nilou Lab
Classification: Uncertain significance for Microcephaly, normal intelligence and immunodeficiency. Last evaluated: 2021-11-07. Review status: criteria provided, single submitter. Criteria: ACMG Guidelines, 2015. Collection method: clinical testing. Allele origin: germline. Affected: no.

ARUP Laboratories, Molecular Genetics and Genomics, ARUP Laboratories
Classification: Uncertain significance. Last evaluated: 2021-07-21. Review status: criteria provided, single submitter. Criteria: ARUP Molecular Germline Variant Investigation Process 2021. Collection method: clinical testing. Allele origin: germline.
Comment: The NBN c.1979G>A; p.Arg660Lys variant (rs201781110), to our knowledge, is not reported in the medical literature but is reported in ClinVar (Variation ID: 231001). This variant is absent from general population databases (Exome Variant Server, Genome Aggregation Database), indicating it is not a common polymorphism. The arginine at codon 660 is moderately conserved, and computational analyses predict that this variant is neutral (REVEL: 0.072). However, given the lack of clinical and functional data, the significance of the p.Arg660Lys variant is uncertain at this time.

Literature cited by the submitters: PubMed 32832836 (cited by Ambry Genetics); PubMed 36346689 (cited by Ambry Genetics).

NM_002485.5(NBN):c.1979G>A (p.Arg660Lys)

Gene: NBN (nibrin; minus strand). Cytogenetic location: 8q21.3.
Variant type: single nucleotide variant.
Coding change: c.1979G>A on transcript NM_002485.5 (MANE Select); coding-DNA position 1979, G replaced by A.
Protein change: p.Arg660Lys; replaces arginine 660 with lysine.
Molecular consequence: missense variant.
Genome position (GRCh38, 1-based): chr8:89,946,231, C>T on the plus strand (G>A on the coding strand, the complement: NBN is on the minus strand). VCF-style: chr8-89946231-C-T. GRCh37 (hg19) VCF-style: chr8-90958459-C-T.
Other names: c.1733G>A, p.Arg578Lys (NM_001024688.3); short protein forms R660K, R578K.
Identifiers: ClinVar variation 231001 (VCV000231001.25), dbSNP rs201781110, ClinGen allele CA10578750.
Genomic context (GRCh38, chr8:89,946,231, plus strand): 5'-CCATAATCATCATTTATGCCAGATGGATTTCTGGAAGTAGAGTTTTTAATCACCAGTGAT[C>T]TAAATTCAGTCAATAACAGCTTTTTTGGAAGCATCTCACTATCATCCTGAAGTTTGTCAT-3'
Protein context (NP_002476.2, residues 650-670): LPKKLLLTEF[Arg660Lys]SLVIKNSTSR